The following is an entry in ClinVar:

NM_005612.5(REST):c.1391A>G (p.Lys464Arg)

Gene: REST (RE1 silencing transcription factor; plus strand). Cytogenetic location: 4q12.
Variant type: single nucleotide variant.
Coding change: c.1391A>G on transcript NM_005612.5 (MANE Select); coding-DNA position 1391, A replaced by G.
Protein change: p.Lys464Arg; replaces lysine 464 with arginine.
Molecular consequence: missense variant.
Genome position (GRCh38, 1-based): chr4:56,930,249, A>G. VCF-style: chr4-56930249-A-G. GRCh37 (hg19) VCF-style: chr4-57796415-A-G.
Other names: c.1391A>G, p.Lys464Arg (NM_001193508.2, NM_001363453.3); short protein forms K464R.
Identifiers: ClinVar variation 2180130 (VCV002180130.4), dbSNP rs2475849198, ClinGen allele CA357006513.

ClinVar aggregate classification (germline): Uncertain significance (1 of 4 stars; one submission).

Submission:

Labcorp Genetics (formerly Invitae), Labcorp
Classification: Uncertain significance. Last evaluated: 2022-08-06. Review status: criteria provided, single submitter. Criteria: Invitae Variant Classification Sherloc (09022015). Collection method: clinical testing. Allele origin: germline.
Comment: In summary, the available evidence is currently insufficient to determine the role of this variant in disease. Therefore, it has been classified as a Variant of Uncertain Significance. Algorithms developed to predict the effect of missense changes on protein structure and function output the following: SIFT: "Tolerated"; PolyPhen-2: "Benign"; Align-GVGD: "Class C0". The arginine amino acid residue is found in multiple mammalian species, which suggests that this missense change does not adversely affect protein function. This variant has not been reported in the literature in individuals affected with REST-related conditions. This variant is not present in population databases (gnomAD no frequency). This sequence change replaces lysine, which is basic and polar, with arginine, which is basic and polar, at codon 464 of the REST protein (p.Lys464Arg).